The following is an entry in ClinVar:

ClinVar aggregate classification (germline): Likely benign (0 of 4 stars; one submission).

Conditions:
H19-related disorder. Also called: H19-related condition.

Allele frequency attached by ClinVar (database versions not stated): 1000 Genomes Project 0.00080; ExAC 0.00014.

Submission:

PreventionGenetics, part of Exact Sciences
Classification: Likely benign for H19-related condition. Last evaluated: 2019-10-22. Review status: no assertion criteria provided. Collection method: clinical testing. Allele origin: germline.
Comment: This variant is classified as likely benign based on ACMG/AMP sequence variant interpretation guidelines (Richards et al. 2015 PMID: 25741868, with internal and published modifications).

NR_002196.3(H19):n.748A>G

Genes: H19 (H19 imprinted maternally expressed transcript; minus strand), MRPL23 (mitochondrial ribosomal protein L23; plus strand). Cytogenetic location: 11p15.5.
Variant type: single nucleotide variant.
Molecular consequence: non-coding transcript variant (on NR_002196.3). On other transcripts: intron variant (1).
Genome position: GRCh38 VCF-style: chr11-1997095-T-C. GRCh37 (hg19) VCF-style: chr11-2018325-T-C.
Other names: c.498-14446T>C (NM_001400176.1).
Identifiers: ClinVar variation 3045696 (VCV003045696.2), dbSNP rs372233017, ClinGen allele CA5817518.